The following is an entry in ClinVar:

ClinVar aggregate classification (germline): Conflicting classifications of pathogenicity. Review status: criteria provided, conflicting classifications (1 of 4 stars). 6 submissions from 5 submitters: Uncertain significance (5); Benign (1). Last evaluated 2026-01-04.

Conditions:
Congenital stationary night blindness autosomal dominant 2. Also called: NIGHT BLINDNESS, CONGENITAL STATIONARY, RAMBUSCH TYPE. Identifiers: Orphanet 215, MedGen C1876182, MONDO:0008099, OMIM 163500.
Retinal dystrophy. Also called: Inherited retinal dystrophy. Identifiers: Orphanet 71862, MedGen C0854723, MeSH D058499, MONDO:0019118, HP:0000556.
Retinitis pigmentosa (RP). Identifiers: Orphanet 791, MedGen C0035334, MeSH D012174, MONDO:0019200, OMIM 268000. Inheritance: Autosomal dominant, autosomal recessive and X linked inheritance.
Retinitis pigmentosa 40 (RP40). Identifiers: Orphanet 791, MedGen C3151107, MONDO:0013429, OMIM 613801.

Allele frequency attached by ClinVar (database versions not stated): gnomAD 0.00019 and 0.00017; gnomAD exomes 0.00019 and 0.00016; ExAC 0.00022; TOPMed 0.00015.
gnomAD v4.1: 304 of 1,611,512 alleles (0.019%); highest among the groups gnomAD compares: Non-Finnish European, 0.023%; no homozygotes.

Submissions (6):

Labcorp Genetics (formerly Invitae), Labcorp
Classification: Uncertain significance. Last evaluated: 2026-01-04. Review status: criteria provided, single submitter. Criteria: Invitae Variant Classification Sherloc (09022015). Collection method: clinical testing. Allele origin: germline.
Comment: This sequence change replaces arginine, which is basic and polar, with histidine, which is basic and polar, at codon 602 of the PDE6B protein (p.Arg602His). This variant is present in population databases (rs752846577, gnomAD 0.03%). This variant has not been reported in the literature in individuals affected with PDE6B-related conditions. ClinVar contains an entry for this variant (Variation ID: 907107). Invitae Evidence Modeling of protein sequence and biophysical properties (such as structural, functional, and spatial information, amino acid conservation, physicochemical variation, residue mobility, and thermodynamic stability) indicates that this missense variant is expected to disrupt PDE6B protein function with a positive predictive value of 95%. In summary, the available evidence is currently insufficient to determine the role of this variant in disease. Therefore, it has been classified as a Variant of Uncertain Significance.

Blueprint Genetics
Classification: Uncertain significance. Last evaluated: 2023-12-21. Review status: criteria provided, single submitter. Criteria: ACMG Guidelines, 2015. Collection method: clinical testing. Allele origin: germline.

Dept Of Ophthalmology, Nagoya University
Classification: Uncertain significance for Retinal dystrophy. Last evaluated: 2023-10-01. Review status: criteria provided, single submitter. Criteria: Submitter's publication. Collection method: research. Allele origin: germline. Affected: yes.

Department of Pathology and Laboratory Medicine, Sinai Health System
Classification: Uncertain significance for Congenital stationary night blindness autosomal dominant 2; Retinitis pigmentosa 40. Last evaluated: 2021-11-22. Review status: criteria provided, single submitter. Criteria: ACMG Guidelines, 2015. Collection method: research. Allele origin: germline.

Illumina Laboratory Services, Illumina
Classification: Uncertain significance for Retinitis pigmentosa. Last evaluated: 2018-03-30. Review status: criteria provided, single submitter. Criteria: ICSL Variant Classification Criteria 13 December 2019. Collection method: clinical testing. Allele origin: germline.

Illumina Laboratory Services, Illumina
Classification: Benign for Congenital stationary night blindness autosomal dominant 2. Last evaluated: 2018-03-29. Review status: criteria provided, single submitter. Criteria: ICSL Variant Classification Criteria 13 December 2019. Collection method: clinical testing. Allele origin: germline.
Comment: This variant was observed in the ICSL laboratory as part of a predisposition screen in an ostensibly healthy population. It had not been previously curated by ICSL or reported in the Human Gene Mutation Database (HGMD: prior to June 1st, 2018), and was therefore a candidate for classification through an automated scoring system. Utilizing variant allele frequency, disease prevalence and penetrance estimates, and inheritance mode, an automated score was calculated to assess if this variant is too frequent to cause the disease. Based on the score and internal cut-off values, a variant classified as benign is not then subjected to further curation. The score for this variant resulted in a classification of benign for this disease.

NM_000283.4(PDE6B):c.1805G>A (p.Arg602His)

Gene: PDE6B (phosphodiesterase 6B; plus strand). Cytogenetic location: 4p16.3.
Variant type: single nucleotide variant.
Coding change: c.1805G>A on transcript NM_000283.4 (MANE Select); coding-DNA position 1805, G replaced by A.
Protein change: p.Arg602His; replaces arginine 602 with histidine.
Molecular consequence: missense variant.
Genome position (GRCh38, 1-based): chr4:662,591, G>A. VCF-style: chr4-662591-G-A. GRCh37 (hg19) VCF-style: chr4-656380-G-A.
Other names: c.1805G>A, p.Arg602His (NM_001145291.2); c.968G>A, p.Arg323His (NM_001145292.2, NM_001350154.3, NM_001379246.1 and 1 more transcripts); c.650G>A, p.Arg217His (NM_001350155.3); short protein forms R217H, R323H, R602H.
Identifiers: ClinVar variation 907107 (VCV000907107.15), dbSNP rs752846577, ClinGen allele CA2794685.